The following is an entry in ClinVar:

ClinVar aggregate classification (germline): Uncertain significance (1 of 4 stars; one submission).

Submission:

Labcorp Genetics (formerly Invitae), Labcorp
Classification: Uncertain significance. Last evaluated: 2021-01-29. Review status: criteria provided, single submitter. Criteria: Invitae Variant Classification Sherloc (09022015). Collection method: clinical testing. Allele origin: germline.
Comment: This variant, c.414_443dup, results in the insertion of 10 amino acid(s) to the MKL1 protein (p.Ser139_Pro148dup), but otherwise preserves the integrity of the reading frame. In summary, the available evidence is currently insufficient to determine the role of this variant in disease. Therefore, it has been classified as a Variant of Uncertain Significance. Experimental studies and prediction algorithms are not available or were not evaluated, and the functional significance of this variant is currently unknown. This variant has not been reported in the literature in individuals with MKL1-related conditions. This variant is not present in population databases (ExAC no frequency).

NM_020831.6(MRTFA):c.714_743dup (p.Ser239_Pro248dup)

Gene: MRTFA (myocardin related transcription factor A; minus strand). Cytogenetic location: 22q13.1.
Variant type: Duplication.
Coding change: c.714_743dup on transcript NM_020831.6 (MANE Select); coding-DNA positions 714 to 743, 30 bases duplicated (GTCACCCCTGGAGGCCCGAGTCAGCGAACC).
Protein change: p.Ser239_Pro248dup.
Molecular consequence: inframe insertion.
Genome position (GRCh38, 1-based): chr22:40,424,240-40,424,269, GGTTCGCTGACTCGGGCCTCCAGGGGTGAC duplicated on the plus strand (GTCACCCCTGGAGGCCCGAGTCAGCGAACC on the coding strand, the reverse complement: MRTFA is on the minus strand); duplicating any 30 consecutive bases within chr22:40,424,240-40,424,271 gives the same sequence; the c. name uses the placement nearest the transcript's 3' end. VCF-style (leftmost placement, unchanged base first): chr22-40424239-T-TGGTTCGCTGACTCGGGCCTCCAGGGGTGAC. GRCh37 (hg19) VCF-style: chr22-40820243-T-TGGTTCGCTGACTCGGGCCTCCAGGGGTGAC.
Other names: c.414_443dup, p.Ser139_Pro148dup (NM_001282660.2); c.714_743dup, p.Ser239_Pro248dup (NM_001282661.3, NM_001282662.3); c.519_548dup, p.Ser174_Pro183dup (NM_001318139.2).
Identifiers: ClinVar variation 1683148 (VCV001683148.8), dbSNP rs2147080838, ClinGen allele CA2573158200.